The following is an entry in ClinVar:

ClinVar aggregate classification (germline): Uncertain significance. Review status: criteria provided, multiple submitters, no conflicts (2 of 4 stars). 2 submissions from 2 submitters: Uncertain significance (2). Last evaluated 2025-09-16.

Conditions:
Inborn genetic diseases. Identifiers: MedGen C0950123, MeSH D030342.
Charcot-Marie-Tooth disease type 2. Also called: Charcot-Marie-Tooth type 2. Identifiers: Orphanet 64746, MedGen C0270914, MONDO:0018993.

Allele frequency attached by ClinVar (database versions not stated): TOPMed 0.00003; gnomAD exomes 0.00002 and 0.00005; ExAC 0.00002; gnomAD 0.00003.

Submissions (2):

Labcorp Genetics (formerly Invitae), Labcorp
Classification: Uncertain significance for Charcot-Marie-Tooth disease type 2. Last evaluated: 2025-09-16. Review status: criteria provided, single submitter. Criteria: Invitae Variant Classification Sherloc (09022015). Collection method: clinical testing. Allele origin: germline.
Comment: This sequence change replaces glutamic acid, which is acidic and polar, with lysine, which is basic and polar, at codon 131 of the AARS protein (p.Glu131Lys). This variant is present in population databases (rs769706358, gnomAD 0.004%). This variant has not been reported in the literature in individuals affected with AARS-related conditions. ClinVar contains an entry for this variant (Variation ID: 476741). Invitae Evidence Modeling of protein sequence and biophysical properties (such as structural, functional, and spatial information, amino acid conservation, physicochemical variation, residue mobility, and thermodynamic stability) indicates that this missense variant is not expected to disrupt AARS protein function with a negative predictive value of 95%. In summary, the available evidence is currently insufficient to determine the role of this variant in disease. Therefore, it has been classified as a Variant of Uncertain Significance.

Ambry Genetics
Classification: Uncertain significance for Inborn genetic diseases. Last evaluated: 2025-08-31. Review status: criteria provided, single submitter. Criteria: Ambry Variant Classification Scheme 2023. Collection method: clinical testing. Allele origin: germline.

NM_001605.3(AARS1):c.391G>A (p.Glu131Lys)

Gene: AARS1 (alanyl-tRNA synthetase 1; minus strand). Cytogenetic location: 16q22.1.
Variant type: single nucleotide variant.
Coding change: c.391G>A on transcript NM_001605.3 (MANE Select); coding-DNA position 391, G replaced by A.
Protein change: p.Glu131Lys; replaces glutamic acid 131 with lysine.
Molecular consequence: missense variant.
Genome position (GRCh38, 1-based): chr16:70,276,574, C>T on the plus strand (G>A on the coding strand, the complement: AARS1 is on the minus strand). VCF-style: chr16-70276574-C-T. GRCh37 (hg19) VCF-style: chr16-70310477-C-T.
Other names: short protein forms E131K.
Identifiers: ClinVar variation 476741 (VCV000476741.11), dbSNP rs769706358, ClinGen allele CA8141144.
Genomic context (GRCh38, chr16:70,276,574, plus strand): 5'-CCAGATCTGCTTCTAAGCCAGCTGCTTCATCCCCGCCAAAGTAAGTAACATAAAGTCTTT[C>T]AATGGGAATGCCAAACTCTTGGGTGAGGAGTTCCAGAGCCATCTTACATGCCAATTCCTA-3'
Protein context (NP_001596.2, residues 121-141): LLTQEFGIPI[Glu131Lys]RLYVTYFGGD